The following is an entry in ClinVar:

ClinVar aggregate classification (germline): Pathogenic/Likely pathogenic. Review status: criteria provided, multiple submitters, no conflicts (2 of 4 stars). 2 submissions from 2 submitters: Pathogenic (1); Likely pathogenic (1). Last evaluated 2025-07-03.

Conditions:
Hyperkalemic periodic paralysis. Also called: Familial hyperkalemic periodic paralysis; Gamstorp disease. Identifiers: Orphanet 682, MedGen C0238357, MONDO:0008224, OMIM 170500, HP:0007215.

Submissions (2):

Labcorp Genetics (formerly Invitae), Labcorp
Classification: Pathogenic for Hyperkalemic periodic paralysis. Last evaluated: 2025-07-03. Review status: criteria provided, single submitter. Criteria: Invitae Variant Classification Sherloc (09022015). Collection method: clinical testing. Allele origin: germline.
Comment: This sequence change creates a premature translational stop signal (p.Val1203Serfs*65) in the SCN4A gene. It is expected to result in an absent or disrupted protein product. Loss-of-function variants in SCN4A are known to be pathogenic (PMID: 26700687). This variant is present in population databases (no rsID available, gnomAD 0.007%). This variant has not been reported in the literature in individuals affected with SCN4A-related conditions. ClinVar contains an entry for this variant (Variation ID: 2433227). For these reasons, this variant has been classified as Pathogenic.

Revvity Omics, Revvity
Classification: Likely pathogenic. Last evaluated: 2022-03-21. Review status: criteria provided, single submitter. Criteria: ACMG Guidelines, 2015. Collection method: clinical testing. Allele origin: germline.

Literature cited by the submitters: PubMed 26700687 (cited by Labcorp Genetics (formerly Invitae), Labcorp).

NM_000334.4(SCN4A):c.3607del (p.Val1203fs)

Genes: GH-LCR (growth hormone locus control region; plus strand), SCN4A (sodium voltage-gated channel alpha subunit 4; minus strand). Cytogenetic location: 17q23.3.
Variant type: Deletion.
Coding change: c.3607del on transcript NM_000334.4 (MANE Select); coding-DNA position 3607, one base deleted (G; older notation c.3607delG).
Protein change: p.Val1203fs; shifts the reading frame from valine 1203.
Molecular consequence: frameshift variant.
Genome position (GRCh38, 1-based): chr17:63,945,473, C deleted on the plus strand (G on the coding strand, the reverse complement: SCN4A is on the minus strand); the first of 2 consecutive C bases (chr17:63,945,473-63,945,474); deleting either gives the same sequence. VCF-style (leftmost placement, unchanged base first): chr17-63945472-AC-A. GRCh37 (hg19) VCF-style: chr17-62022832-AC-A.
Other names: short protein forms V1203fs.
Identifiers: ClinVar variation 2433227 (VCV002433227.6), dbSNP rs1567818091, ClinGen allele CA627150332.
Genomic context (GRCh38, chr17:63,945,472, plus strand): 5'-ACATTGAGCCAGCGGACCTGGCCTGTGTGCATGAGGCTCTCGCACTCAGACTTGTTGTTG[AC>A]CTCGGAGATGTCGAACCTCTCAGAGGTGGTGGTGTTGATGCAGTAGTAGAACTTGCCGGC-3'